The following is an entry in ClinVar:

ClinVar aggregate classification (germline): Uncertain significance (1 of 4 stars; one submission).

Submission:

Ambry Genetics
Classification: Uncertain significance. Last evaluated: 2026-08-08. Review status: criteria provided, single submitter. Criteria: Ambry Variant Classification Scheme 2023. Collection method: clinical testing. Allele origin: germline.
Comment: The p.D517Y variant (also known as c.1549G>T), located in coding exon 11 of the CTNNA3 gene, results from a G to T substitution at nucleotide position 1549. The aspartic acid at codon 517 is replaced by tyrosine, an amino acid with highly dissimilar properties. This amino acid position is conserved. In addition, this alteration is predicted to be deleterious by in silico analysis. Based on the available evidence, the clinical significance of this variant remains unclear.

NM_013266.4(CTNNA3):c.1549G>T (p.Asp517Tyr)

Gene: CTNNA3 (catenin alpha 3; minus strand). Cytogenetic location: 10q21.3.
Variant type: single nucleotide variant.
Coding change: c.1549G>T on transcript NM_013266.4 (MANE Select); coding-DNA position 1549, G replaced by T.
Protein change: p.Asp517Tyr; replaces aspartic acid 517 with tyrosine.
Molecular consequence: missense variant.
Genome position (GRCh38, 1-based): chr10:66,379,335, C>A on the plus strand (G>T on the coding strand, the complement: CTNNA3 is on the minus strand). VCF-style: chr10-66379335-C-A. GRCh37 (hg19) VCF-style: chr10-68139093-C-A.
Other names: c.1549G>T, p.Asp517Tyr (NM_001127384.3); short protein forms D517Y.
Identifiers: ClinVar variation 4008031 (VCV004008031.2).